The following is an entry in ClinVar:

ClinVar aggregate classification (germline): Benign (1 of 4 stars; one submission).

Allele frequency attached by ClinVar (database versions not stated): TOPMed 0.09188; 1000 Genomes Project 0.06729; 1000 Genomes Project 30x 0.06902; gnomAD 0.09522.

Submission:

GeneDx
Classification: Benign. Last evaluated: 2018-06-14. Review status: criteria provided, single submitter. Criteria: GeneDx Variant Classification (06012015). Collection method: clinical testing. Allele origin: germline. Affected: yes.
Comment: This variant is considered likely benign or benign based on one or more of the following criteria: it is a conservative change, it occurs at a poorly conserved position in the protein, it is predicted to be benign by multiple in silico algorithms, and/or has population frequency not consistent with disease.

NM_006096.4(NDRG1):c.699-282G>A

Gene: NDRG1 (N-myc downstream regulated 1; minus strand). Cytogenetic location: 8q24.22.
Variant type: single nucleotide variant.
Coding change: c.699-282G>A on transcript NM_006096.4 (MANE Select); 282 bases into the intron before coding-DNA position 699, G replaced by A.
Molecular consequence: intron variant.
Genome position (GRCh38, 1-based): chr8:133,249,053, C>T on the plus strand (G>A on the coding strand, the complement: NDRG1 is on the minus strand). VCF-style: chr8-133249053-C-T. GRCh37 (hg19) VCF-style: chr8-134261296-C-T.
Other names: c.501-282G>A (NM_001258432.2, NM_001374847.1); c.456-282G>A (NM_001258433.2); c.750-282G>A (NM_001374844.1); c.699-282G>A (NM_001135242.2, NM_001374845.1, NM_001374846.1).
Identifiers: ClinVar variation 669849 (VCV000669849.1), dbSNP rs4590423, ClinGen allele CA12777161.
Genomic context (GRCh38, chr8:133,249,053, plus strand): 5'-CCCTCATTTTGTCACAAATATTTGTGGGGCTTTTTTTTCCAGGAGTAGAAGTCAGATTCT[C>T]CACCATAGAGGGTCCCCGCCTTCCCTGTCCCCCTAGTCAGAGCCCCCACCTGACAGAGGG-3'